The following is an entry in ClinVar:

ClinVar aggregate classification (germline): Likely benign. Review status: criteria provided, multiple submitters, no conflicts (2 of 4 stars). 3 submissions from 3 submitters: Likely benign (3). Last evaluated 2026-01-27.

Conditions:
KIZ-related disorder. Also called: KIZ-related condition.

gnomAD v4.1: 56 of 1,613,158 alleles (0.0035%); highest among the groups gnomAD compares: African/African-American, 0.025%; no homozygotes.

Submissions (3):

PreventionGenetics, part of Exact Sciences
Classification: Likely benign for KIZ-related condition. Last evaluated: 2026-01-27. Review status: criteria provided, single submitter. Criteria: ACMG Guidelines, 2015. Collection method: clinical testing. Allele origin: germline.
Comment: This variant is classified as likely benign based on ACMG/AMP sequence variant interpretation guidelines (Richards et al. 2015 PMID: 25741868, with internal and published modifications).

Labcorp Genetics (formerly Invitae), Labcorp
Classification: Likely benign. Last evaluated: 2025-08-17. Review status: criteria provided, single submitter. Criteria: Invitae Variant Classification Sherloc (09022015). Collection method: clinical testing. Allele origin: germline.

Blueprint Genetics
Classification: Likely benign. Last evaluated: 2024-10-28. Review status: criteria provided, single submitter. Criteria: ACMG Guidelines, 2015. Collection method: clinical testing. Allele origin: germline.

NM_018474.6(KIZ):c.954G>T (p.Pro318=)

Gene: KIZ (kizuna centrosomal protein; plus strand). Cytogenetic location: 20p11.23.
Variant type: single nucleotide variant.
Coding change: c.954G>T on transcript NM_018474.6 (MANE Select); coding-DNA position 954, G replaced by T.
Protein change: p.Pro318=; no amino-acid change (proline 318 retained).
Molecular consequence: synonymous variant.
Genome position (GRCh38, 1-based): chr20:21,162,419, G>T. VCF-style: chr20-21162419-G-T. GRCh37 (hg19) VCF-style: chr20-21143060-G-T.
Other names: c.954G>T (NM_018474.5); c.645G>T, p.Pro215= (NM_001163022.3, NM_001352435.2); c.555G>T, p.Pro185= (NM_001163023.3); c.807G>T, p.Pro269= (NM_001276389.2); c.954G>T, p.Pro318= (NM_001352434.2); c.612G>T, p.Pro204= (NM_001352436.2).
Identifiers: ClinVar variation 1084007 (VCV001084007.12), dbSNP rs190940090, ClinGen allele CA9784746.
Genomic context (GRCh38, chr20:21,162,419, plus strand): 5'-ATCAGAGGGAGAAATACTGACACGGGAACATATTGAAGTTGAGGAAAAAAGAGCCAGCCC[G>T]CCAGTCTCTCCGATACCAGTTTCAGAATACTGTGAATCTGAAAATAAGTGGTCTCAAGAG-3'
Protein context (NP_060944.3, residues 308-328): HIEVEEKRAS[Pro318=]PVSPIPVSEY